The following is an entry in ClinVar:

ClinVar aggregate classification (germline): Benign/Likely benign. Review status: criteria provided, multiple submitters, no conflicts (2 of 4 stars). 8 submissions from 8 submitters: Benign (4); Likely benign (3). 1 of the submissions does not count toward it. Last evaluated 2026-01-30.

Conditions:
Familial isolated pituitary adenoma. Identifiers: Orphanet 314777, MedGen C2676191, MONDO:0017824.
Hereditary cancer-predisposing syndrome. Also called: Neoplastic Syndromes, Hereditary; Hereditary Cancer Syndrome; Tumor predisposition; Hereditary neoplastic syndrome. Identifiers: Orphanet 140162, MedGen C0027672, MeSH D009386, MONDO:0015356.
Neuroblastoma, susceptibility to, 3. Also called: ALK-Related Neuroblastic Tumor Susceptibility. Identifiers: Orphanet 635, MedGen C2751681, MONDO:0013083, OMIM 613014.

Allele frequency attached by ClinVar (database versions not stated): gnomAD exomes 0.00025 and 0.00068; ExAC 0.00087; gnomAD 0.00265 and 0.00279; ESP Exome Variant Server 0.00288; TOPMed 0.00300; 1000 Genomes Project 0.00359; 1000 Genomes Project 30x 0.00406.

Submissions (8):

Labcorp Genetics (formerly Invitae), Labcorp
Classification: Benign for Neuroblastoma, susceptibility to, 3. Last evaluated: 2026-01-30. Review status: criteria provided, single submitter. Criteria: Invitae Variant Classification Sherloc (09022015). Collection method: clinical testing. Allele origin: germline.

Blueprint Genetics
Classification: Likely benign. Last evaluated: 2024-11-13. Review status: criteria provided, single submitter. Criteria: ACMG Guidelines, 2015. Collection method: clinical testing. Allele origin: germline.

Women's Health and Genetics/Laboratory Corporation of America, LabCorp
Classification: Benign. Last evaluated: 2023-08-19. Review status: criteria provided, single submitter. Criteria: LabCorp Variant Classification Summary - May 2015. Collection method: clinical testing. Allele origin: germline.

GeneDx
Classification: Likely benign. Last evaluated: 2023-05-16. Review status: criteria provided, single submitter. Criteria: GeneDx Variant Classification Process June 2021. Collection method: clinical testing. Allele origin: germline. Affected: yes.
Comment: See Variant Classification Assertion Criteria.

St. Jude Molecular Pathology, St. Jude Children's Research Hospital
Classification: Likely benign for Familial isolated pituitary adenoma. Last evaluated: 2021-05-20. Review status: criteria provided, single submitter. Criteria: St. Jude Assertion Criteria 2020. Collection method: clinical testing. Allele origin: germline.
Comment: The ALK c.3837-9_3837-7dup splice region change has a maximum subpopulation frequency of 0.97% in gnomAD v2.1.1. This population frequency exceeds the expected prevalence of a pathogenic variant causing ALK-related neuroblastic tumor susceptibility (BS1). In silico tools predict that this variant does not impact splicing (BP4). This variant been reported in >5 individuals without a personal or family history consistent with ALK-related neuroblastic tumor susceptibility (internal data). In summary, this variant meets criteria to be classified as likely benign based on the ACMG/AMP criteria: BS1, BP4.

Sema4
Classification: Benign for Hereditary cancer-predisposing syndrome. Last evaluated: 2020-09-17. Review status: criteria provided, single submitter. Criteria: Sema4 Curation Guidelines. Collection method: curation. Allele origin: germline.

Eurofins Ntd Llc (ga)
Classification: Benign. Last evaluated: 2018-03-09. Review status: criteria provided, single submitter. Criteria: EGL ClinVar v180209 classification definitions. Collection method: clinical testing. Allele origin: germline. Observed: 1 variant allele, 1 heterozygote.

Genetic Services Laboratory, University of Chicago
Classification: Likely benign. Last evaluated: 2022-06-20. Review status: no assertion criteria provided. Collection method: clinical testing. Allele origin: germline. Affected: no. Not counted in ClinVar's aggregate classification.

NM_004304.5(ALK):c.3837-9_3837-7dup

Gene: ALK (ALK receptor tyrosine kinase; minus strand). Cytogenetic location: 2p23.2.
Variant type: Duplication.
Coding change: c.3837-9_3837-7dup on transcript NM_004304.5 (MANE Select); 9 bases into the intron before coding-DNA position 3837 through 7 bases into the intron before coding-DNA position 3837, 3 bases duplicated (TCC; older notation c.3837-9_3837-7dupTCC).
Molecular consequence: intron variant.
Genome position (GRCh38, 1-based): chr2:29,207,279-29,207,281, GGA duplicated on the plus strand (TCC on the coding strand, the reverse complement: ALK is on the minus strand). VCF-style (leftmost placement, unchanged base first): chr2-29207278-G-GGGA. GRCh37 (hg19) VCF-style: chr2-29430144-G-GGGA.
Other names: c.3837-9_3837-7dup (NM_004304.4); c.3837-7_3837-6insTCC (NM_004304.3); c.633-9_633-7dup (NM_001353765.2).
Identifiers: ClinVar variation 239829 (VCV000239829.26), dbSNP rs373764155, ClinGen allele CA1593745.